The following is an entry in ClinVar:

NM_022773.4(LMF1):c.1351C>T (p.Arg451Trp)

Gene: LMF1 (lipase maturation factor 1; minus strand). Cytogenetic location: 16p13.3.
Variant type: single nucleotide variant.
Coding change: c.1351C>T on transcript NM_022773.4 (MANE Select); coding-DNA position 1351, C replaced by T.
Protein change: p.Arg451Trp; replaces arginine 451 with tryptophan.
Molecular consequence: missense variant. On other transcripts: non-coding transcript variant (1), intron variant (1).
Genome position (GRCh38, 1-based): chr16:869,948, G>A on the plus strand (C>T on the coding strand, the complement: LMF1 is on the minus strand). VCF-style: chr16-869948-G-A. GRCh37 (hg19) VCF-style: chr16-919948-G-A.
Other names: c.700C>T, p.Arg234Trp (NM_001352017.2, NM_001352021.2); c.952C>T, p.Arg318Trp (NM_001352018.2); c.1024C>T, p.Arg342Trp (NM_001352019.2); c.1336+15C>T (NM_001352020.1); short protein forms R342W, R234W, R318W, R451W.
Identifiers: ClinVar variation 782342 (VCV000782342.40), dbSNP rs138205062, ClinGen allele CA7797064.

ClinVar aggregate classification (germline): Benign/Likely benign. Review status: criteria provided, multiple submitters, no conflicts (2 of 4 stars). 6 submissions from 6 submitters: Benign (5); Likely benign (1). Last evaluated 2026-07-01.

Conditions:
Cardiovascular phenotype. Identifiers: MedGen CN230736.

Allele frequency attached by ClinVar (database versions not stated): gnomAD 0.00247 and 0.00273; TOPMed 0.00295; 1000 Genomes Project 30x 0.00312; 1000 Genomes Project 0.00319; ESP Exome Variant Server 0.00359; gnomAD exomes 0.00424; ExAC 0.00438.
gnomAD v4.1: 5,141 of 1,613,292 alleles (0.32%); highest among the groups gnomAD compares: Middle Eastern, 1%; 30 homozygotes.

Submissions (6):

CeGaT Center for Human Genetics Tuebingen
Classification: Likely benign. Last evaluated: 2026-07-01. Review status: criteria provided, single submitter. Criteria: CeGaT Center For Human Genetics Tuebingen Variant Classification Criteria Version 2. Collection method: clinical testing. Allele origin: germline. Affected: yes. Observed: 2 variant alleles.
Comment: LMF1: BP4, BS2

Labcorp Genetics (formerly Invitae), Labcorp
Classification: Benign. Last evaluated: 2026-01-26. Review status: criteria provided, single submitter. Criteria: Invitae Variant Classification Sherloc (09022015). Collection method: clinical testing. Allele origin: germline.

Molecular Diagnostic Laboratory for Inherited Cardiovascular Disease, Montreal Heart Institute
Classification: Benign. Last evaluated: 2025-04-09. Review status: criteria provided, single submitter. Criteria: ACMG Guidelines, 2015. Collection method: clinical testing. Allele origin: germline. Affected: no.

Ambry Genetics
Classification: Benign for Cardiovascular phenotype. Last evaluated: 2019-11-01. Review status: criteria provided, single submitter. Criteria: Ambry Variant Classification Scheme 2023. Collection method: clinical testing. Allele origin: germline.

GeneDx
Classification: Benign. Last evaluated: 2018-11-15. Review status: criteria provided, single submitter. Criteria: GeneDx Variant Classification Process June 2021. Collection method: clinical testing. Allele origin: germline. Affected: yes.
Comment: This variant is associated with the following publications: (PMID: 22135386, 24503134)

Breakthrough Genomics
Classification: Benign. Review status: criteria provided, single submitter. Criteria: ACMG Guidelines, 2015. Collection method: not provided. Allele origin: germline. Inheritance: Autosomal recessive inheritance. Affected: yes.

Literature cited by the submitters: PubMed 22135386 (cited by Ambry Genetics); PubMed 24503134 (cited by Ambry Genetics); PubMed 30037590 (cited by Ambry Genetics).